The following is an entry in ClinVar:

ClinVar aggregate classification (germline): Uncertain significance (1 of 4 stars; one submission).

Conditions:
Hereditary spastic paraplegia 11. Also called: Spastic paraplegia, mental retardation and thin corpus callosum; SPASTIC PARAPLEGIA, AUTOSOMAL RECESSIVE, COMPLICATED, WITH THIN CORPUS CALLOSUM; SPASTIC PARAPLEGIA, AUTOSOMAL RECESSIVE, WITH MENTAL IMPAIRMENT AND THIN CORPUS CALLOSUM; Nakamura Osame syndrome; Autosomal recessive hereditary spastic paraplegia, mental impairment, and thin corpus callosum; Spastic Paraplegia 11. Identifiers: Orphanet 2822, MedGen C1858479, MONDO:0011445, OMIM 604360.

Allele frequency attached by ClinVar (database versions not stated): gnomAD 0.00001; gnomAD exomes 0.00001; TOPMed 0.00001.
gnomAD v4.1: 11 of 1,595,458 alleles (0.00069%); highest among the groups gnomAD compares: Admixed American, 0.0052%; no homozygotes.

Submission:

Labcorp Genetics (formerly Invitae), Labcorp
Classification: Uncertain significance for Hereditary spastic paraplegia 11. Last evaluated: 2025-05-19. Review status: criteria provided, single submitter. Criteria: Invitae Variant Classification Sherloc (09022015). Collection method: clinical testing. Allele origin: germline.
Comment: This sequence change affects codon 2195 of the SPG11 mRNA. It is a 'silent' change, meaning that it does not change the encoded amino acid sequence of the SPG11 protein. This variant also falls at the last nucleotide of exon 35, which is part of the consensus splice site for this exon. The frequency data for this variant in the population databases is considered unreliable, as metrics indicate poor data quality at this position in the gnomAD database. This variant has not been reported in the literature in individuals affected with SPG11-related conditions. ClinVar contains an entry for this variant (Variation ID: 570743). Variants that disrupt the consensus splice site are a relatively common cause of aberrant splicing (PMID: 17576681, 9536098). Algorithms developed to predict the effect of sequence changes on RNA splicing suggest that this variant may disrupt the consensus splice site. In summary, the available evidence is currently insufficient to determine the role of this variant in disease. Therefore, it has been classified as a Variant of Uncertain Significance.

Literature cited by the submitters: PubMed 17576681; PubMed 9536098.

NM_025137.4(SPG11):c.6585G>A (p.Pro2195=)

Gene: SPG11 (SPG11 vesicle trafficking associated, spatacsin; minus strand). Cytogenetic location: 15q21.1.
Variant type: single nucleotide variant.
Coding change: c.6585G>A on transcript NM_025137.4 (MANE Select); coding-DNA position 6585, G replaced by A.
Protein change: p.Pro2195=; no amino-acid change (proline 2195 retained).
Molecular consequence: synonymous variant.
Genome position (GRCh38, 1-based): chr15:44,569,398, C>T on the plus strand (G>A on the coding strand, the complement: SPG11 is on the minus strand). VCF-style: chr15-44569398-C-T. GRCh37 (hg19) VCF-style: chr15-44861596-C-T.
Other names: c.6246G>A, p.Pro2082= (NM_001160227.2).
Identifiers: ClinVar variation 570743 (VCV000570743.8), dbSNP rs1206211976, ClinGen allele CA490202875.
Genomic context (GRCh38, chr15:44,569,398, plus strand): 5'-CTGAGGCTCCTGAATTATCAGCAGTACACCCCATCCTGGAGCTCATTACTTTGCACCTAC[C>T]GGATCCAACTTCTTCCTCATTAGCACTTCAAAGTAGTGCTTTTTATGCAGCAAATCAAAT-3'
Protein context (NP_079413.3, residues 2185-2205): FEVLMRKKLD[Pro2195=]SGTLKTALLD